The following is an entry in ClinVar:

ClinVar aggregate classification (germline): Pathogenic (1 of 4 stars; one submission).

Conditions:
Myopathy caused by variation in FKRP. Identifiers: MedGen CN305637, MONDO:0700066.

Submission:

Myriad Genetics, Inc.
Classification: Pathogenic for Myopathy caused by variation in FKRP. Last evaluated: 2025-03-31. Review status: criteria provided, single submitter. Criteria: Myriad Autosomal Dominant, Autosomal Recessive and X-Linked Classification Criteria (2023). Collection method: clinical testing. Allele origin: unknown.
Comment: NM_024301.4(FKRP):c.1173_1181del9ins1(F392Gfs*69) is a frameshift variant classified as pathogenic in the context of FKRP-related disorders. F392Gfs*69 has not been observed in cases with relevant disease. Relevant functional assessments of this variant are not available in the literature. F392Gfs*69 has not been observed in referenced population frequency databases. In summary, NM_024301.4(FKRP):c.1173_1181del9ins1(F392Gfs*69) is a frameshift variant in a gene where loss of function is a known mechanism of disease and is predicted to disrupt protein function. Please note: this variant was assessed in the context of healthy population screening.

NM_024301.5(FKRP):c.1173_1181delinsT (p.Phe392fs)

Gene: FKRP (fukutin related protein; plus strand). Cytogenetic location: 19q13.32.
Variant type: Indel.
Coding change: c.1173_1181delinsT on transcript NM_024301.5 (MANE Select); coding-DNA positions 1173 to 1181, CTTCGTATG replaced by T.
Protein change: p.Phe392fs; shifts the reading frame from phenylalanine 392.
Molecular consequence: frameshift variant.
Genome position (GRCh38, 1-based): chr19:46,756,623-46,756,631, CTTCGTATG replaced by T. VCF-style: chr19-46756623-CTTCGTATG-T. GRCh37 (hg19) VCF-style: chr19-47259880-CTTCGTATG-T.
Other names: c.1173_1181delinsT, p.Phe392fs (NM_001039885.3); short protein forms F392fs.
Identifiers: ClinVar variation 4081682 (VCV004081682.1).